The following is an entry in ClinVar:

NM_006766.5(KAT6A):c.2827G>A (p.Gly943Arg)

Gene: KAT6A (lysine acetyltransferase 6A; minus strand). Cytogenetic location: 8p11.21.
Variant type: single nucleotide variant.
Coding change: c.2827G>A on transcript NM_006766.5 (MANE Select); coding-DNA position 2827, G replaced by A.
Protein change: p.Gly943Arg; replaces glycine 943 with arginine.
Molecular consequence: missense variant.
Genome position (GRCh38, 1-based): chr8:41,941,054, C>T on the plus strand (G>A on the coding strand, the complement: KAT6A is on the minus strand). VCF-style: chr8-41941054-C-T. GRCh37 (hg19) VCF-style: chr8-41798572-C-T.
Other names: short protein forms G943R.
Identifiers: ClinVar variation 3668691 (VCV003668691.2).

ClinVar aggregate classification (germline): Uncertain significance (1 of 4 stars; one submission).

Submission:

Labcorp Genetics (formerly Invitae), Labcorp
Classification: Uncertain significance. Last evaluated: 2025-01-15. Review status: criteria provided, single submitter. Criteria: Invitae Variant Classification Sherloc (09022015). Collection method: clinical testing. Allele origin: germline.
Comment: This sequence change replaces glycine, which is neutral and non-polar, with arginine, which is basic and polar, at codon 943 of the KAT6A protein (p.Gly943Arg). This variant is not present in population databases (gnomAD no frequency). This variant has not been reported in the literature in individuals affected with KAT6A-related conditions. Invitae Evidence Modeling of protein sequence and biophysical properties (such as structural, functional, and spatial information, amino acid conservation, physicochemical variation, residue mobility, and thermodynamic stability) indicates that this missense variant is not expected to disrupt KAT6A protein function with a negative predictive value of 95%. In summary, the available evidence is currently insufficient to determine the role of this variant in disease. Therefore, it has been classified as a Variant of Uncertain Significance.